The following is an entry in ClinVar:

ClinVar aggregate classification (germline): Uncertain significance (1 of 4 stars; one submission).

Conditions:
Usher syndrome type 3B. Also called: USHER SYNDROME, TYPE IIIB. Identifiers: MedGen C3281066, MONDO:0013788, OMIM 614504.

Allele frequency attached by ClinVar (database versions not stated): 1000 Genomes Project 30x 0.00016; 1000 Genomes Project 0.00020.
gnomAD v4.1: 2 of 1,614,158 alleles (0.00012%); highest among the groups gnomAD compares: East Asian, 0.0022%; no homozygotes.

Submission:

Labcorp Genetics (formerly Invitae), Labcorp
Classification: Uncertain significance for Usher syndrome type 3B. Last evaluated: 2023-07-16. Review status: criteria provided, single submitter. Criteria: Invitae Variant Classification Sherloc (09022015). Collection method: clinical testing. Allele origin: germline.
Comment: Advanced modeling of protein sequence and biophysical properties (such as structural, functional, and spatial information, amino acid conservation, physicochemical variation, residue mobility, and thermodynamic stability) performed at Invitae indicates that this missense variant is not expected to disrupt HARS protein function. In summary, the available evidence is currently insufficient to determine the role of this variant in disease. Therefore, it has been classified as a Variant of Uncertain Significance. ClinVar contains an entry for this variant (Variation ID: 2012765). This variant has not been reported in the literature in individuals affected with HARS-related conditions. This variant is not present in population databases (gnomAD no frequency). This sequence change replaces aspartic acid, which is acidic and polar, with glutamic acid, which is acidic and polar, at codon 301 of the HARS protein (p.Asp301Glu).

NM_002109.6(HARS1):c.903C>A (p.Asp301Glu)

Gene: HARS1 (histidyl-tRNA synthetase 1; minus strand). Cytogenetic location: 5q31.3.
Variant type: single nucleotide variant.
Coding change: c.903C>A on transcript NM_002109.6 (MANE Select); coding-DNA position 903, C replaced by A.
Protein change: p.Asp301Glu; replaces aspartic acid 301 with glutamic acid.
Molecular consequence: missense variant.
Genome position (GRCh38, 1-based): chr5:140,677,037, G>T on the plus strand (C>A on the coding strand, the complement: HARS1 is on the minus strand). VCF-style: chr5-140677037-G-T. GRCh37 (hg19) VCF-style: chr5-140056622-G-T.
Other names: c.783C>A, p.Asp261Glu (NM_001258040.3); c.843C>A, p.Asp281Glu (NM_001258041.3); c.723C>A, p.Asp241Glu (NM_001258042.3); c.681C>A, p.Asp227Glu (NM_001289092.2); c.561C>A, p.Asp187Glu (NM_001289093.2); c.816C>A, p.Asp272Glu (NM_001289094.2); short protein forms D261E, D272E, D187E, D301E, D227E, D241E, D281E.
Identifiers: ClinVar variation 2012765 (VCV002012765.4), dbSNP rs146835587, ClinGen allele CA3443966.